The following is an entry in ClinVar:

NM_214462.5(DACT2):c.1785G>A (p.Ala595=)

Gene: DACT2 (dishevelled binding antagonist of beta catenin 2; minus strand). Cytogenetic location: 6q27.
Variant type: single nucleotide variant.
Coding change: c.1785G>A on transcript NM_214462.5 (MANE Select); coding-DNA position 1785, G replaced by A.
Protein change: p.Ala595=; no amino-acid change (alanine 595 retained).
Molecular consequence: synonymous variant. On other transcripts: non-coding transcript variant (1), intron variant (1).
Genome position (GRCh38, 1-based): chr6:168,307,972, C>T on the plus strand (G>A on the coding strand, the complement: DACT2 is on the minus strand). VCF-style: chr6-168307972-C-T. GRCh37 (hg19) VCF-style: chr6-168708652-C-T.
Other names: c.1275G>A, p.Ala425= (NM_001286350.2); c.658+2196G>A (NM_001286351.2).
Identifiers: ClinVar variation 2657141 (VCV002657141.24), dbSNP rs183650899, ClinGen allele CA4101784.

ClinVar aggregate classification (germline): Likely benign (1 of 4 stars; one submission).

Allele frequency attached by ClinVar (database versions not stated): ExAC 0.00360; gnomAD exomes 0.00376; 1000 Genomes Project 0.00180; 1000 Genomes Project 30x 0.00203; ESP Exome Variant Server 0.00241; gnomAD 0.00257; TOPMed 0.00266.
gnomAD v4.1: 5,643 of 1,551,042 alleles (0.36%); highest among the groups gnomAD compares: Middle Eastern, 1.2%; 16 homozygotes.

Submission:

CeGaT Center for Human Genetics Tuebingen
Classification: Likely benign. Last evaluated: 2024-11-01. Review status: criteria provided, single submitter. Criteria: CeGaT Center For Human Genetics Tuebingen Variant Classification Criteria Version 2. Collection method: clinical testing. Allele origin: germline. Affected: yes. Observed: 3 variant alleles.
Comment: DACT2: BP4, BP7, BS2